The following is an entry in ClinVar:

ClinVar aggregate classification (germline): Uncertain significance (1 of 4 stars; one submission).

gnomAD v4.1: 1 of 1,613,634 alleles (0.000062%); no homozygotes.

Submission:

Labcorp Genetics (formerly Invitae), Labcorp
Classification: Uncertain significance. Last evaluated: 2022-06-13. Review status: criteria provided, single submitter. Criteria: Invitae Variant Classification Sherloc (09022015). Collection method: clinical testing. Allele origin: germline.
Comment: This sequence change replaces serine, which is neutral and polar, with phenylalanine, which is neutral and non-polar, at codon 283 of the SPART protein (p.Ser283Phe). This variant is not present in population databases (gnomAD no frequency). This variant has not been reported in the literature in individuals affected with SPART-related conditions. Algorithms developed to predict the effect of missense changes on protein structure and function (SIFT, PolyPhen-2, Align-GVGD) all suggest that this variant is likely to be disruptive. In summary, the available evidence is currently insufficient to determine the role of this variant in disease. Therefore, it has been classified as a Variant of Uncertain Significance.

NM_015087.5(SPART):c.848C>T (p.Ser283Phe)

Gene: SPART (spartin; minus strand). Cytogenetic location: 13q13.3.
Variant type: single nucleotide variant.
Coding change: c.848C>T on transcript NM_015087.5 (MANE Select); coding-DNA position 848, C replaced by T.
Protein change: p.Ser283Phe; replaces serine 283 with phenylalanine.
Molecular consequence: missense variant.
Genome position (GRCh38, 1-based): chr13:36,331,559, G>A on the plus strand (C>T on the coding strand, the complement: SPART is on the minus strand). VCF-style: chr13-36331559-G-A. GRCh37 (hg19) VCF-style: chr13-36905696-G-A.
Other names: c.848C>T, p.Ser283Phe (NM_001142294.2, NM_001142295.2, NM_001142296.2); short protein forms S283F.
Identifiers: ClinVar variation 2109678 (VCV002109678.4), dbSNP rs2500724614, ClinGen allele CA387861361.